The following is an entry in ClinVar:

ClinVar aggregate classification (germline): Uncertain significance. Review status: criteria provided, multiple submitters, no conflicts (2 of 4 stars). 2 submissions from 2 submitters: Uncertain significance (2). Last evaluated 2025-02-10.

Conditions:
Inborn genetic diseases. Identifiers: MedGen C0950123, MeSH D030342.
SMAD6-related disease. Also called: SMAD6-related disorder; SMAD6-related condition. Identifiers: MedGen CN381596, MONDO:0700324.

gnomAD v4.1: 1 of 1,598,022 alleles (0.000063%); highest among the groups gnomAD compares: Non-Finnish European, 0.000085%; no homozygotes.

Submissions (2):

PreventionGenetics, part of Exact Sciences
Classification: Uncertain significance for SMAD6-related condition. Last evaluated: 2025-02-10. Review status: criteria provided, single submitter. Criteria: ACMG Guidelines, 2015. Collection method: clinical testing. Allele origin: germline.
Comment: The SMAD6 c.1303T>C variant is predicted to result in the amino acid substitution p.Ser435Pro. To our knowledge, this variant has not been reported in the literature or in a large population database (gnomAD), indicating this variant is rare. At this time, the clinical significance of this variant is uncertain due to the absence of conclusive functional and genetic evidence.

Ambry Genetics
Classification: Uncertain significance for Inborn genetic diseases. Last evaluated: 2021-08-05. Review status: criteria provided, single submitter. Criteria: Ambry Variant Classification Scheme 2023. Collection method: clinical testing. Allele origin: germline.
Comment: The p.S435P variant (also known as c.1303T>C), located in coding exon 4 of the SMAD6 gene, results from a T to C substitution at nucleotide position 1303. The serine at codon 435 is replaced by proline, an amino acid with similar properties. This amino acid position is conserved. In addition, this alteration is predicted to be deleterious by in silico analysis. Since supporting evidence is limited at this time, the clinical significance of this alteration remains unclear.

NM_005585.5(SMAD6):c.1303T>C (p.Ser435Pro)

Gene: SMAD6 (SMAD family member 6; plus strand). Cytogenetic location: 15q22.31.
Variant type: single nucleotide variant.
Coding change: c.1303T>C on transcript NM_005585.5 (MANE Select); coding-DNA position 1303, T replaced by C.
Protein change: p.Ser435Pro; replaces serine 435 with proline.
Molecular consequence: missense variant. On other transcripts: non-coding transcript variant (1).
Genome position (GRCh38, 1-based): chr15:66,781,347, T>C. VCF-style: chr15-66781347-T-C. GRCh37 (hg19) VCF-style: chr15-67073685-T-C.
Other names: short protein forms S435P.
Identifiers: ClinVar variation 1769468 (VCV001769468.3), dbSNP rs2541898843, ClinGen allele CA393202260.
Genomic context (GRCh38, chr15:66,781,347, plus strand): 5'-CCGACGCTGGACGCGCCCGGCGGCCGCGCCCTGGTCGTGCGCAAGGTGCCCCCCGGCTAC[T>C]CCATCAAGGTGTTCGACTTCGAGCGCTCGGGCCTGCAGCACGCGCCCGAGCCCGACGCCG-3'
Protein context (NP_005576.3, residues 425-445): LVVRKVPPGY[Ser435Pro]IKVFDFERSG